The following is an entry in ClinVar:

ClinVar aggregate classification (germline): Likely pathogenic (1 of 4 stars; one submission).

Conditions:
Polyhydramnios, megalencephaly, and symptomatic epilepsy (PMSE). Also called: PMSE SYNDROME. Identifiers: Orphanet 500533, MedGen C1970203, MONDO:0012611, OMIM 611087.

Submission:

Labcorp Genetics (formerly Invitae), Labcorp
Classification: Likely pathogenic for Polyhydramnios, megalencephaly, and symptomatic epilepsy. Last evaluated: 2024-06-19. Review status: criteria provided, single submitter. Criteria: Invitae Variant Classification Sherloc (09022015). Collection method: clinical testing. Allele origin: germline.
Comment: This sequence change affects a donor splice site in intron 7 of the STRADA gene. It is expected to disrupt RNA splicing. Variants that disrupt the donor or acceptor splice site typically lead to a loss of protein function (PMID: 16199547), and loss-of-function variants in STRADA are known to be pathogenic (PMID: 17522105, 27170158). This variant is not present in population databases (gnomAD no frequency). This variant has not been reported in the literature in individuals affected with STRADA-related conditions. Algorithms developed to predict the effect of sequence changes on RNA splicing suggest that this variant may disrupt the consensus splice site. In summary, the currently available evidence indicates that the variant is pathogenic, but additional data are needed to prove that conclusively. Therefore, this variant has been classified as Likely Pathogenic.

Literature cited by the submitters: PubMed 16199547; PubMed 17522105; PubMed 27170158.

NM_001003787.4(STRADA):c.457+1G>T

Gene: STRADA (STE20 related adaptor alpha; minus strand). Cytogenetic location: 17q23.3.
Variant type: single nucleotide variant.
Coding change: c.457+1G>T on transcript NM_001003787.4 (MANE Select); the canonical splice donor site of the intron after coding-DNA position 457, G replaced by T.
Molecular consequence: splice donor variant.
Genome position (GRCh38, 1-based): chr17:63,710,727, C>A on the plus strand (G>T on the coding strand, the complement: STRADA is on the minus strand). VCF-style: chr17-63710727-C-A. GRCh37 (hg19) VCF-style: chr17-61788087-C-A.
Other names: c.346+1G>T (NM_001363789.1, NM_001003786.3, NM_153335.6); c.283+1G>T (NM_001363790.1, NM_001363791.1, NM_001003788.3); c.433+1G>T (NM_001363786.1); c.370+1G>T (NM_001165969.2, NM_001363787.1, NM_001411084.1); c.325+1G>T (NM_001165970.2); c.457+1G>T (NM_001411085.1, NM_001363788.1, NM_001411083.1).
Identifiers: ClinVar variation 3689518 (VCV003689518.2).